The following is an entry in ClinVar:

NM_001371928.1(AHDC1):c.2318del (p.Gly773fs)

Gene: AHDC1 (AT-hook DNA binding motif containing 1; minus strand). Cytogenetic location: 1p36.11.
Variant type: Deletion.
Coding change: c.2318del on transcript NM_001371928.1 (MANE Select); coding-DNA position 2318, one base deleted (G; older notation c.2318delG).
Protein change: p.Gly773fs; shifts the reading frame from glycine 773.
Molecular consequence: frameshift variant.
Genome position (GRCh38, 1-based): chr1:27,549,798, C deleted on the plus strand (G on the coding strand, the reverse complement: AHDC1 is on the minus strand); the first of 3 consecutive C bases (chr1:27,549,798-27,549,800); deleting any one gives the same sequence. VCF-style (leftmost placement, unchanged base first): chr1-27549797-AC-A. GRCh37 (hg19) VCF-style: chr1-27876308-AC-A.
Other names: c.2318del, p.Gly773fs (NM_001029882.3); c.2318delG (NM_001029882.3); short protein forms G773fs.
Identifiers: ClinVar variation 2635527 (VCV002635527.1), dbSNP rs2521944324, ClinGen allele CA2695197993.

ClinVar aggregate classification (germline): Pathogenic (1 of 4 stars; one submission).

Conditions:
AHDC1-related disorder. Also called: AHDC1-related condition.

Submission:

PreventionGenetics, part of Exact Sciences
Classification: Pathogenic for AHDC1-related condition. Last evaluated: 2022-11-28. Review status: criteria provided, single submitter. Criteria: ACMG Guidelines, 2015. Collection method: clinical testing. Allele origin: germline.
Comment: The AHDC1 c.2318delG variant is predicted to result in a frameshift and premature protein termination (p.Gly773Valfs*159). To our knowledge, this variant has not been reported in the literature or in a large population database, indicating this variant is rare. Frameshift variants in AHDC1 are expected to be pathogenic. This variant is interpreted as pathogenic.